The following is an entry in ClinVar:

NM_031935.3(HMCN1):c.9028A>G (p.Asn3010Asp)

Gene: HMCN1 (hemicentin 1; plus strand). Cytogenetic location: 1q31.1.
Variant type: single nucleotide variant.
Coding change: c.9028A>G on transcript NM_031935.3 (MANE Select); coding-DNA position 9028, A replaced by G.
Protein change: p.Asn3010Asp; replaces asparagine 3010 with aspartic acid.
Molecular consequence: missense variant.
Genome position (GRCh38, 1-based): chr1:186,086,389, A>G. VCF-style: chr1-186086389-A-G. GRCh37 (hg19) VCF-style: chr1-186055521-A-G.
Other names: short protein forms N3010D.
Identifiers: ClinVar variation 3106246 (VCV003106246.3), dbSNP rs754933690, ClinGen allele CA1293290.
Genomic context (GRCh38, chr1:186,086,389, plus strand): 5'-GGTTTTCCACCTCCTGACCTCAGCTGGCTCAAGAATGAACAGCCCATCAAACTGAACACA[A>G]ATACTCTCATTGTGCCTGGTAAGGAACTTCTTATTATAAAGCAGGCAAAATTTTCTCATC-3'
Protein context (NP_114141.2, residues 3000-3020): KNEQPIKLNT[Asn3010Asp]TLIVPGGRTL

ClinVar aggregate classification (germline): Uncertain significance. Review status: criteria provided, multiple submitters, no conflicts (2 of 4 stars). 2 submissions from 2 submitters: Uncertain significance (2). Last evaluated 2025-09-08.

Allele frequency attached by ClinVar (database versions not stated): ExAC 0.00001; TOPMed 0.00002; gnomAD 0.00001; gnomAD exomes 0.00005.
gnomAD v4.1: 82 of 1,613,066 alleles (0.0051%); highest among the groups gnomAD compares: Non-Finnish European, 0.0066%; no homozygotes.

Submissions (2):

Labcorp Genetics (formerly Invitae), Labcorp
Classification: Uncertain significance. Last evaluated: 2025-09-08. Review status: criteria provided, single submitter. Criteria: Invitae Variant Classification Sherloc (09022015). Collection method: clinical testing. Allele origin: germline.
Comment: This sequence change replaces asparagine, which is neutral and polar, with aspartic acid, which is acidic and polar, at codon 3010 of the HMCN1 protein (p.Asn3010Asp). This variant is present in population databases (rs754933690, gnomAD 0.006%). This missense change has been observed in individual(s) with retinitis pigmentosa (internal data). ClinVar contains an entry for this variant (Variation ID: 3106246). An algorithm developed to predict the effect of missense changes on protein structure and function (PolyPhen-2) suggests that this variant is likely to be disruptive. In summary, the available evidence is currently insufficient to determine the role of this variant in disease. Therefore, it has been classified as a Variant of Uncertain Significance.

Ambry Genetics
Classification: Uncertain significance. Last evaluated: 2023-10-25. Review status: criteria provided, single submitter. Criteria: Ambry Variant Classification Scheme 2023. Collection method: clinical testing. Allele origin: germline.